The following is an entry in ClinVar:

ClinVar aggregate classification (germline): Uncertain significance (1 of 4 stars; one submission).

Submission:

Ambry Genetics
Classification: Uncertain significance. Last evaluated: 2026-03-21. Review status: criteria provided, single submitter. Criteria: Ambry Variant Classification Scheme 2023. Collection method: clinical testing. Allele origin: germline.
Comment: The p.P406H variant (also known as c.1217C>A), located in coding exon 7 of the GALNT12 gene, results from a C to A substitution at nucleotide position 1217. The proline at codon 406 is replaced by histidine, an amino acid with similar properties. This amino acid position is conserved. In addition, this alteration is predicted to be tolerated by in silico analysis. Based on the available evidence, the clinical significance of this variant remains unclear.

NM_024642.5(GALNT12):c.1217C>A (p.Pro406His)

Gene: GALNT12 (polypeptide N-acetylgalactosaminyltransferase 12; plus strand). Cytogenetic location: 9q22.33.
Variant type: single nucleotide variant.
Coding change: c.1217C>A on transcript NM_024642.5 (MANE Select); coding-DNA position 1217, C replaced by A.
Protein change: p.Pro406His; replaces proline 406 with histidine.
Molecular consequence: missense variant.
Genome position (GRCh38, 1-based): chr9:98,840,006, C>A. VCF-style: chr9-98840006-C-A. GRCh37 (hg19) VCF-style: chr9-101602288-C-A.
Other names: short protein forms P406H.
Identifiers: ClinVar variation 4871638 (VCV004871638.1).